The following is an entry in ClinVar:

NM_004655.4(AXIN2):c.1385C>T (p.Pro462Leu)

Gene: AXIN2 (axin 2; minus strand). Cytogenetic location: 17q24.1.
Variant type: single nucleotide variant.
Coding change: c.1385C>T on transcript NM_004655.4 (MANE Select); coding-DNA position 1385, C replaced by T.
Protein change: p.Pro462Leu; replaces proline 462 with leucine.
Molecular consequence: missense variant.
Genome position (GRCh38, 1-based): chr17:65,537,651, G>A on the plus strand (C>T on the coding strand, the complement: AXIN2 is on the minus strand). VCF-style: chr17-65537651-G-A. GRCh37 (hg19) VCF-style: chr17-63533769-G-A.
Other names: c.1385C>T, p.Pro462Leu (NM_001363813.1); short protein forms P462L.
Identifiers: ClinVar variation 2896661 (VCV002896661.4), dbSNP rs758592586, ClinGen allele CA400677603.
Genomic context (GRCh38, chr17:65,537,651, plus strand): 5'-GGGAGCAGGGAGTGGTACTGCGAATGGTGGTGGTGGTGGTGGTCCGGGGAGCGGGAGCGG[G>A]GGCTATAGCGGCCTACGCCTGGAGACTGGCAGCCAGGGGTCTTGAGGACCCTGGACAGGT-3'
Protein context (NP_004646.3, residues 452-472): CQSPGVGRYS[Pro462Leu]RSRSPDHHHH

ClinVar aggregate classification (germline): Uncertain significance. Review status: criteria provided, multiple submitters, no conflicts (2 of 4 stars). 2 submissions from 2 submitters: Uncertain significance (2). Last evaluated 2025-09-03.

Conditions:
Oligodontia-cancer predisposition syndrome. Also called: TOOTH AGENESIS-COLORECTAL CANCER SYNDROME. Identifiers: Orphanet 300576, MedGen C1837750, MONDO:0012075, OMIM 608615. Disease mechanism: loss of function.
Hereditary cancer-predisposing syndrome. Also called: Neoplastic Syndromes, Hereditary; Hereditary neoplastic syndrome; Tumor predisposition; Hereditary Cancer Syndrome. Identifiers: Orphanet 140162, MedGen C0027672, MeSH D009386, MONDO:0015356.

Submissions (2):

Labcorp Genetics (formerly Invitae), Labcorp
Classification: Uncertain significance for Oligodontia-cancer predisposition syndrome. Last evaluated: 2025-09-03. Review status: criteria provided, single submitter. Criteria: Invitae Variant Classification Sherloc (09022015). Collection method: clinical testing. Allele origin: germline.
Comment: This sequence change replaces proline, which is neutral and non-polar, with leucine, which is neutral and non-polar, at codon 462 of the AXIN2 protein (p.Pro462Leu). This variant is not present in population databases (gnomAD no frequency). This variant has not been reported in the literature in individuals affected with AXIN2-related conditions. ClinVar contains an entry for this variant (Variation ID: 2896661). Invitae Evidence Modeling of protein sequence and biophysical properties (such as structural, functional, and spatial information, amino acid conservation, physicochemical variation, residue mobility, and thermodynamic stability) indicates that this missense variant is not expected to disrupt AXIN2 protein function with a negative predictive value of 80%. In summary, the available evidence is currently insufficient to determine the role of this variant in disease. Therefore, it has been classified as a Variant of Uncertain Significance.

Ambry Genetics
Classification: Uncertain significance for Hereditary cancer-predisposing syndrome. Last evaluated: 2025-01-03. Review status: criteria provided, single submitter. Criteria: Ambry Variant Classification Scheme 2023. Collection method: clinical testing. Allele origin: germline.
Comment: The p.P462L variant (also known as c.1385C>T), located in coding exon 5 of the AXIN2 gene, results from a C to T substitution at nucleotide position 1385. The proline at codon 462 is replaced by leucine, an amino acid with similar properties. This amino acid position is conserved. In addition, the in silico prediction for this alteration is inconclusive. Based on the available evidence, the clinical significance of this variant remains unclear.